The following is an entry in ClinVar:

ClinVar aggregate classification (germline): Uncertain significance (1 of 4 stars; one submission).

Conditions:
Inborn genetic diseases. Identifiers: MedGen C0950123, MeSH D030342.

Submission:

Ambry Genetics
Classification: Uncertain significance for Inborn genetic diseases. Last evaluated: 2023-09-07. Review status: criteria provided, single submitter. Criteria: Ambry Variant Classification Scheme 2023. Collection method: clinical testing. Allele origin: germline.
Comment: The p.E109K variant (also known as c.325G>A), located in coding exon 1 of the PIK3CA gene, results from a G to A substitution at nucleotide position 325. The glutamic acid at codon 109 is replaced by lysine, an amino acid with similar properties. This amino acid position is conserved. In addition, this alteration is predicted to be deleterious by in silico analysis. Since supporting evidence is limited at this time, the clinical significance of this alteration remains unclear.

NM_006218.4(PIK3CA):c.325G>A (p.Glu109Lys)

Gene: PIK3CA (phosphatidylinositol-4,5-bisphosphate 3-kinase catalytic subunit alpha; plus strand). Cytogenetic location: 3q26.32.
Variant type: single nucleotide variant.
Coding change: c.325G>A on transcript NM_006218.4 (MANE Select); coding-DNA position 325, G replaced by A.
Protein change: p.Glu109Lys; replaces glutamic acid 109 with lysine.
Molecular consequence: missense variant.
Genome position (GRCh38, 1-based): chr3:179,199,150, G>A. VCF-style: chr3-179199150-G-A. GRCh37 (hg19) VCF-style: chr3-178916938-G-A.
Other names: short protein forms E109K.
Identifiers: ClinVar variation 2587514 (VCV002587514.2), dbSNP rs2108386334, ClinGen allele CA355272693.